The following is an entry in ClinVar:

ClinVar aggregate classification (germline): Likely benign (1 of 4 stars; one submission).

Submission:

Laboratory for Molecular Medicine, Mass General Brigham Personalized Medicine
Classification: Likely benign. Last evaluated: 2018-01-09. Review status: criteria provided, single submitter. Criteria: LMM Criteria. Collection method: clinical testing. Allele origin: germline. Observed: 9 variant alleles.
Comment: m.980T>C in MTRNR1: This variant has been observed in 2/1642 patients with heari ng loss and was absent from 449 controls (Lu 2010). However, this variant is als o reported with similar frequencies in broad populations (LOVD database; mtDB; HmtDB: 8080/hmdb). Moreover, this region of mitochondrial DNA is not conserved. Of note , mouse, Xenopus, Drosophila and E. coli have a C at this position (Conrad 2008) . In summary, there is no data to support a disease-associated role and the popu lation frequency suggests that this variant is likely benign.

Literature cited by the submitters: PubMed 18830133; PubMed 20100600; PubMed 19220304.

NC_012920.1(MT-RNR1):m.980T>C

Gene: MT-RNR1 (mitochondrially encoded 12S RNA; plus strand).
Variant type: single nucleotide variant.
Genome position: chrM-980-T-C.
Identifiers: ClinVar variation 42237 (VCV000042237.4), dbSNP rs397515731, ClinGen allele CA131023.
Genomic context (GRCh38, chrMT:980, plus strand): 5'-GTCAATAGAAGCCGGCGTAAAGAGTGTTTTAGATCACCCCCTCCCCAATAAAGCTAAAAC[T>C]CACCTGAGTTGTAAAAAACTCCAGTTGACACAAAATAGACTACGAAAGTGGCTTTAACAT-3'